The following is an entry in ClinVar:

ClinVar aggregate classification (germline): Uncertain significance (1 of 4 stars; one submission).

Submission:

GeneDx
Classification: Uncertain significance. Last evaluated: 2023-09-08. Review status: criteria provided, single submitter. Criteria: GeneDx Variant Classification Process June 2021. Collection method: clinical testing. Allele origin: germline. Affected: yes.
Comment: Not observed at significant frequency in large population cohorts (gnomAD); In silico analysis supports that this missense variant has a deleterious effect on protein structure/function; Has not been previously published as pathogenic or benign to our knowledge; Variants in candidate genes are classified as variants of uncertain significance in accordance with ACMG guidelines (Richards et al., 2015)

NM_002805.6(PSMC5):c.953C>T (p.Pro318Leu)

Gene: PSMC5 (proteasome 26S subunit, ATPase 5; plus strand). Cytogenetic location: 17q23.3.
Variant type: single nucleotide variant.
Coding change: c.953C>T on transcript NM_002805.6 (MANE Select); coding-DNA position 953, C replaced by T.
Protein change: p.Pro318Leu; replaces proline 318 with leucine.
Molecular consequence: missense variant.
Genome position (GRCh38, 1-based): chr17:63,831,409, C>T. VCF-style: chr17-63831409-C-T. GRCh37 (hg19) VCF-style: chr17-61908769-C-T.
Other names: c.929C>T, p.Pro310Leu (NM_001199163.2); short protein forms P310L, P318L.
Identifiers: ClinVar variation 3602999 (VCV003602999.1).